The following is an entry in ClinVar:

ClinVar aggregate classification (germline): Uncertain significance (1 of 4 stars; one submission).

Conditions:
Neuronopathy, distal hereditary motor, type 7A. Also called: SPINAL MUSCULAR ATROPHY, DISTAL, WITH VOCAL CORD PARALYSIS; Neuronopathy, distal hereditary motor, type viia; HARPER-YOUNG MYOPATHY; HMN VIIA; NEURONOPATHY, DISTAL HEREDITARY MOTOR, HARDING TYPE VIIA; NEUROPATHY, DISTAL HEREDITARY MOTOR, HARDING TYPE VIIA. Identifiers: Orphanet 139589, MedGen C1834703, MONDO:0008024, OMIM 158580.
Congenital myasthenic syndrome 20. Also called: Myasthenic syndrome, congenital, 20, presynaptic. Identifiers: MedGen C4310694, MONDO:0014939, OMIM 617143.

Submission:

Labcorp Genetics (formerly Invitae), Labcorp
Classification: Uncertain significance for Neuronopathy, distal hereditary motor, type 7A; Congenital myasthenic syndrome 20. Last evaluated: 2022-08-09. Review status: criteria provided, single submitter. Criteria: Invitae Variant Classification Sherloc (09022015). Collection method: clinical testing. Allele origin: germline.
Comment: Algorithms developed to predict the effect of missense changes on protein structure and function are either unavailable or do not agree on the potential impact of this missense change (SIFT: "Deleterious"; PolyPhen-2: "Possibly Damaging"; Align-GVGD: "Class C0"). This variant is not present in population databases (gnomAD no frequency). This variant has not been reported in the literature in individuals affected with SLC5A7-related conditions. ClinVar contains an entry for this variant (Variation ID: 572195). Algorithms developed to predict the effect of sequence changes on RNA splicing suggest that this variant may disrupt the consensus splice site. In summary, the available evidence is currently insufficient to determine the role of this variant in disease. Therefore, it has been classified as a Variant of Uncertain Significance. This sequence change replaces alanine, which is neutral and non-polar, with valine, which is neutral and non-polar, at codon 87 of the SLC5A7 protein (p.Ala87Val).

NM_021815.5(SLC5A7):c.260C>T (p.Ala87Val)

Gene: SLC5A7 (solute carrier family 5 member 7; plus strand). Cytogenetic location: 2q12.3.
Variant type: single nucleotide variant.
Coding change: c.260C>T on transcript NM_021815.5 (MANE Select); coding-DNA position 260, C replaced by T.
Protein change: p.Ala87Val; replaces alanine 87 with valine.
Molecular consequence: missense variant. On other transcripts: 5 prime UTR variant (2).
Genome position (GRCh38, 1-based): chr2:107,992,187, C>T. VCF-style: chr2-107992187-C-T. GRCh37 (hg19) VCF-style: chr2-108608643-C-T.
Other names: c.260C>T, p.Ala87Val (NM_001305005.3); c.-56C>T (NM_001305006.3); c.-445C>T (NM_001305007.3); short protein forms A87V.
Identifiers: ClinVar variation 572195 (VCV000572195.6), dbSNP rs1558859918, ClinGen allele CA348020576.
Genomic context (GRCh38, chr2:107,992,187, plus strand): 5'-ATATCAATGGCACAGCTGAAGCAGTTTATGTACCAGGTTATGGCCTAGCTTGGGCTCAGG[C>T]ACCAATTGGATATTCTCTTAGTCTGATTTTAGGTAAGTGAAAGTGCAAATCTCAGTGACT-3'
Protein context (NP_068587.1, residues 77-97): VPGYGLAWAQ[Ala87Val]PIGYSLSLIL